The following is an entry in ClinVar:

ClinVar aggregate classification (germline): Uncertain significance (1 of 4 stars; one submission).

Allele frequency attached by ClinVar (database versions not stated): gnomAD 0.00001; TOPMed 0.00001.
gnomAD v4.1: 2 of 1,612,974 alleles (0.00012%); highest among the groups gnomAD compares: Non-Finnish European, 0.00017%; no homozygotes.

Submission:

Labcorp Genetics (formerly Invitae), Labcorp
Classification: Uncertain significance. Last evaluated: 2021-10-07. Review status: criteria provided, single submitter. Criteria: Invitae Variant Classification Sherloc (09022015). Collection method: clinical testing. Allele origin: germline.
Comment: This sequence change creates a premature translational stop signal (p.Glu566*) in the CFB gene. It is expected to result in an absent or disrupted protein product. However, the current clinical and genetic evidence is not sufficient to establish whether loss-of-function variants in CFB cause disease. This variant is not present in population databases (ExAC no frequency). This variant has not been reported in the literature in individuals affected with CFB-related conditions. In summary, the available evidence is currently insufficient to determine the role of this variant in disease. Therefore, it has been classified as a Variant of Uncertain Significance.

NM_001710.6(CFB):c.1696G>T (p.Glu566Ter)

Gene: CFB (complement factor B; plus strand). Cytogenetic location: 6p21.33.
Variant type: single nucleotide variant.
Coding change: c.1696G>T on transcript NM_001710.6 (MANE Select); coding-DNA position 1696, G replaced by T.
Protein change: p.Glu566Ter; replaces glutamic acid 566 with a stop codon.
Molecular consequence: nonsense.
Genome position (GRCh38, 1-based): chr6:31,950,690, G>T. VCF-style: chr6-31950690-G-T. GRCh37 (hg19) VCF-style: chr6-31918467-G-T.
Other names: short protein forms E566*.
Identifiers: ClinVar variation 1479558 (VCV001479558.6), dbSNP rs1261568530, ClinGen allele CA363408957.